The following is an entry in ClinVar:

NM_005618.4(DLL1):c.1189T>A (p.Tyr397Asn)

Gene: DLL1 (delta like canonical Notch ligand 1; minus strand). Cytogenetic location: 6q27.
Variant type: single nucleotide variant.
Coding change: c.1189T>A on transcript NM_005618.4 (MANE Select); coding-DNA position 1189, T replaced by A.
Protein change: p.Tyr397Asn; replaces tyrosine 397 with asparagine.
Molecular consequence: missense variant.
Genome position (GRCh38, 1-based): chr6:170,284,979, A>T on the plus strand (T>A on the coding strand, the complement: DLL1 is on the minus strand). VCF-style: chr6-170284979-A-T. GRCh37 (hg19) VCF-style: chr6-170594067-A-T.
Other names: short protein forms Y397N.
Identifiers: ClinVar variation 3364154 (VCV003364154.3).

ClinVar aggregate classification (germline): Uncertain significance. Review status: criteria provided, multiple submitters, no conflicts (2 of 4 stars). 3 submissions from 3 submitters: Uncertain significance (3). Last evaluated 2025-08-03.

Conditions:
Inborn genetic diseases. Identifiers: MedGen C0950123, MeSH D030342.

Submissions (3):

Ambry Genetics
Classification: Uncertain significance for Inborn genetic diseases. Last evaluated: 2025-08-03. Review status: criteria provided, single submitter. Criteria: Ambry Variant Classification Scheme 2023. Collection method: clinical testing. Allele origin: germline.

GeneDx
Classification: Uncertain significance. Last evaluated: 2023-11-09. Review status: criteria provided, single submitter. Criteria: GeneDx Variant Classification Process June 2021. Collection method: clinical testing. Allele origin: germline. Affected: yes.
Comment: Not observed at significant frequency in large population cohorts (gnomAD); In silico analysis supports that this missense variant has a deleterious effect on protein structure/function; Has not been previously published as pathogenic or benign to our knowledge

Blueprint Genetics
Classification: Uncertain significance. Last evaluated: 2023-06-02. Review status: criteria provided, single submitter. Criteria: ACMG Guidelines, 2015. Collection method: clinical testing. Allele origin: germline.